The following is an entry in ClinVar:

NM_000143.4(FH):c.1345A>G (p.Met449Val)

Gene: FH (fumarate hydratase; minus strand). Cytogenetic location: 1q43.
Variant type: single nucleotide variant.
Coding change: c.1345A>G on transcript NM_000143.4 (MANE Select); coding-DNA position 1345, A replaced by G.
Protein change: p.Met449Val; replaces methionine 449 with valine.
Molecular consequence: missense variant.
Genome position (GRCh38, 1-based): chr1:241,500,482, T>C on the plus strand (A>G on the coding strand, the complement: FH is on the minus strand). VCF-style: chr1-241500482-T-C. GRCh37 (hg19) VCF-style: chr1-241663782-T-C.
Other names: short protein forms M449V.
Identifiers: ClinVar variation 4257347 (VCV004257347.1).

ClinVar aggregate classification (germline): Uncertain significance (1 of 4 stars; one submission).

Conditions:
Hereditary cancer-predisposing syndrome. Also called: Hereditary Cancer Syndrome; Hereditary neoplastic syndrome; Neoplastic Syndromes, Hereditary; Tumor predisposition. Identifiers: Orphanet 140162, MedGen C0027672, MeSH D009386, MONDO:0015356.

gnomAD v4.1: 1 of 1,614,064 alleles (0.000062%); highest among the groups gnomAD compares: South Asian, 0.0011%; no homozygotes.

Submission:

Ambry Genetics
Classification: Uncertain significance for Hereditary cancer-predisposing syndrome. Last evaluated: 2025-07-31. Review status: criteria provided, single submitter. Criteria: Ambry Variant Classification Scheme 2023. Collection method: clinical testing. Allele origin: germline.
Comment: The p.M449V variant (also known as c.1345A>G), located in coding exon 9 of the FH gene, results from an A to G substitution at nucleotide position 1345. The methionine at codon 449 is replaced by valine, an amino acid with highly similar properties. This amino acid position is conserved. In addition, this alteration is predicted to be deleterious by in silico analysis. Based on the available evidence, the clinical significance of this variant remains unclear.